The following is an entry in ClinVar:

ClinVar aggregate classification (germline): Benign/Likely benign. Review status: criteria provided, multiple submitters, no conflicts (2 of 4 stars). 6 submissions from 6 submitters: Benign (1); Likely benign (4). 1 of the submissions does not count toward it. Last evaluated 2026-09-01.

Conditions:
CNTNAP1-related disorder. Also called: CNTNAP1-related disease; CNTNAP1-related condition.

Allele frequency attached by ClinVar (database versions not stated): 1000 Genomes Project 30x 0.00031; 1000 Genomes Project 0.00040; TOPMed 0.00116; gnomAD 0.00118 and 0.00129; ESP Exome Variant Server 0.00123; gnomAD exomes 0.00149 and 0.00168; ExAC 0.00160.
gnomAD v4.1: 2,633 of 1,611,464 alleles (0.16%); highest among the groups gnomAD compares: South Asian, 0.26%; 2 homozygotes.

Submissions (6):

CeGaT Center for Human Genetics Tuebingen
Classification: Likely benign. Last evaluated: 2026-09-01. Review status: criteria provided, single submitter. Criteria: CeGaT Center For Human Genetics Tuebingen Variant Classification Criteria Version 2. Collection method: clinical testing. Allele origin: germline. Affected: yes. Observed: 3 variant alleles.
Comment: CNTNAP1: BP4, BS2

Labcorp Genetics (formerly Invitae), Labcorp
Classification: Benign. Last evaluated: 2026-01-15. Review status: criteria provided, single submitter. Criteria: Invitae Variant Classification Sherloc (09022015). Collection method: clinical testing. Allele origin: germline.

Mayo Clinic Laboratories, Mayo Clinic
Classification: Likely benign. Last evaluated: 2024-05-07. Review status: criteria provided, single submitter. Criteria: ACMG Guidelines, 2015. Collection method: clinical testing. Allele origin: germline. Observed: 8 variant alleles.
Comment: BS1, BP4

GeneDx
Classification: Likely benign. Last evaluated: 2020-07-17. Review status: criteria provided, single submitter. Criteria: GeneDx Variant Classification Process June 2021. Collection method: clinical testing. Allele origin: germline. Affected: yes.

Breakthrough Genomics
Classification: Likely benign. Review status: criteria provided, single submitter. Criteria: ACMG Guidelines, 2015. Collection method: not provided. Allele origin: germline. Inheritance: Autosomal recessive inheritance. Affected: yes.

PreventionGenetics, part of Exact Sciences
Classification: Likely benign for CNTNAP1-related condition. Last evaluated: 2021-09-30. Review status: no assertion criteria provided. Collection method: clinical testing. Allele origin: germline. Not counted in ClinVar's aggregate classification.
Comment: This variant is classified as likely benign based on ACMG/AMP sequence variant interpretation guidelines (Richards et al. 2015 PMID: 25741868, with internal and published modifications).

NM_003632.3(CNTNAP1):c.1577G>A (p.Arg526Gln)

Gene: CNTNAP1 (contactin associated protein 1; plus strand). Cytogenetic location: 17q21.2.
Variant type: single nucleotide variant.
Coding change: c.1577G>A on transcript NM_003632.3 (MANE Select); coding-DNA position 1577, G replaced by A.
Protein change: p.Arg526Gln; replaces arginine 526 with glutamine.
Molecular consequence: missense variant.
Genome position (GRCh38, 1-based): chr17:42,688,996, G>A. VCF-style: chr17-42688996-G-A. GRCh37 (hg19) VCF-style: chr17-40841014-G-A.
Other names: p.Arg526Gln; short protein forms R526Q.
Identifiers: ClinVar variation 724542 (VCV000724542.35), dbSNP rs137982413, ClinGen allele CA8581823.